The following is an entry in ClinVar:

ClinVar aggregate classification (germline): Pathogenic/Likely pathogenic. Review status: criteria provided, multiple submitters, no conflicts (2 of 4 stars). 8 submissions from 8 submitters: Pathogenic (5); Likely pathogenic (2). 1 of the submissions does not count toward it. Last evaluated 2026-02-25.

Conditions:
Aicardi Goutieres syndrome (AGS). Also called: Encephalopathy, familial infantile, with calcification of basal ganglia and chronic cerebrospinal fluid lymphocytosis. Identifiers: Orphanet 51, MedGen C0393591, MONDO:0018866.
SAMHD1-related disorder. Also called: SAMHD1-related condition.
Aicardi-Goutieres syndrome 5. Identifiers: Orphanet 51, MedGen C2749659, MONDO:0013059, OMIM 612952.
Chilblain lupus 2 (CHBL2). Identifiers: MedGen C3280721, MONDO:0013739, OMIM 614415.

Allele frequency attached by ClinVar (database versions not stated): ExAC 0.00001; gnomAD 0.00001; gnomAD exomes 0.00001; TOPMed 0.00003; ESP Exome Variant Server 0.00008.

Submissions (8):

GeneDx
Classification: Pathogenic. Last evaluated: 2026-02-25. Review status: criteria provided, single submitter. Criteria: GeneDx Variant Classification Process June 2021. Collection method: clinical testing. Allele origin: germline.
Comment: Frameshift variant predicted to result in protein truncation or nonsense mediated decay in a gene for which loss of function is a known mechanism of disease; Not observed at significant frequency in large population cohorts (gnomAD); This variant is associated with the following publications: (PMID: 26273690, 28454995)

Natera, Inc.
Classification: Pathogenic for Aicardi-Goutieres syndrome. Last evaluated: 2025-10-15. Review status: criteria provided, single submitter. Criteria: Natera Variant Classification Schema (03/2026). Collection method: clinical testing. Allele origin: germline.
Comment: The c.646_647delAT variant in SAMHD1 is a frameshift variant predicted to shift the reading frame beginning at codon 216 and leads to a stop codon 2 codons downstream. This variant is expected to result in nonsense mediated decay, truncation, or a dysfunctional protein product. This variant is rare in the general population with a frequency below the threshold expected for the associated phenotype(s). This variant has been observed in one or more individuals affected with the associated recessive disease, as either homozygous or compound heterozygous with a second variant (PMID: 28454995). Given the available evidence, this variant is classified as Pathogenic.

Labcorp Genetics (formerly Invitae), Labcorp
Classification: Pathogenic for Aicardi-Goutieres syndrome 5. Last evaluated: 2025-09-08. Review status: criteria provided, single submitter. Criteria: Invitae Variant Classification Sherloc (09022015). Collection method: clinical testing. Allele origin: germline.
Comment: This sequence change creates a premature translational stop signal (p.Met216Valfs*2) in the SAMHD1 gene. It is expected to result in an absent or disrupted protein product. Loss-of-function variants in SAMHD1 are known to be pathogenic (PMID: 19525956, 22461318). This variant is present in population databases (rs768019897, gnomAD 0.007%). This premature translational stop signal has been observed in individual(s) with Aicardi-Goutieres syndrome (PMID: 26273690, 28454995). ClinVar contains an entry for this variant (Variation ID: 800933). For these reasons, this variant has been classified as Pathogenic.

Fulgent Genetics
Classification: Likely pathogenic for Aicardi-Goutieres syndrome 5; Chilblain lupus 2. Last evaluated: 2024-05-09. Review status: criteria provided, single submitter. Criteria: ACMG Guidelines, 2015. Collection method: clinical testing. Allele origin: germline.

Blueprint Genetics
Classification: Likely pathogenic for SAMHD1-related disorders. Last evaluated: 2022-06-15. Review status: criteria provided, single submitter. Criteria: ACMG Guidelines, 2015. Collection method: clinical testing. Allele origin: germline. Affected: yes. Observed: 2 variant alleles.

Baylor Genetics
Classification: Pathogenic for Aicardi-Goutieres syndrome 5. Last evaluated: 2021-05-24. Review status: criteria provided, single submitter. Criteria: ACMG Guidelines, 2015. Collection method: clinical testing. Allele origin: unknown.

CeGaT Center for Human Genetics Tuebingen
Classification: Pathogenic. Last evaluated: 2019-04-01. Review status: criteria provided, single submitter. Criteria: CeGaT Center For Human Genetics Tuebingen Variant Classification Criteria Version 2. Collection method: clinical testing. Allele origin: germline. Affected: yes. Observed: 1 variant allele.

Biochemical Molecular Genetic Laboratory, King Abdulaziz Medical City
Classification: Likely pathogenic for Aicardi-Goutieres syndrome 5. Last evaluated: 2019-09-26. Review status: no assertion criteria provided. Collection method: clinical testing. Allele origin: germline. Affected: yes. Not counted in ClinVar's aggregate classification.

Literature cited by the submitters: PubMed 28454995 (cited by Natera, Inc. and Labcorp Genetics (formerly Invitae), Labcorp); PubMed 19525956 (cited by Labcorp Genetics (formerly Invitae), Labcorp); PubMed 22461318 (cited by Labcorp Genetics (formerly Invitae), Labcorp); PubMed 26273690 (cited by Labcorp Genetics (formerly Invitae), Labcorp).

NM_015474.4(SAMHD1):c.646_647del (p.Met216fs)

Gene: SAMHD1 (SAM and HD domain containing deoxynucleoside triphosphate triphosphohydrolase 1; minus strand). Cytogenetic location: 20q11.23.
Variant type: Deletion.
Coding change: c.646_647del on transcript NM_015474.4 (MANE Select); coding-DNA positions 646 to 647, 2 bases deleted (AT; older notation c.646_647delAT).
Protein change: p.Met216fs; shifts the reading frame from methionine 216.
Molecular consequence: frameshift variant.
Genome position (GRCh38, 1-based): chr20:36,927,231-36,927,232, AT deleted on the plus strand (AT on the coding strand, the reverse complement: SAMHD1 is on the minus strand). VCF-style (leftmost placement, unchanged base first): chr20-36927230-CAT-C. GRCh37 (hg19) VCF-style: chr20-35555633-CAT-C.
Other names: c.646_647del, p.Met216fs (NM_001363729.2, NM_001363733.2); c.646_647delAT (NM_015474.3); short protein forms M216fs.
Identifiers: ClinVar variation 800933 (VCV000800933.54), dbSNP rs768019897, ClinGen allele CA9844684.